The following is an entry in ClinVar:

NM_000921.5(PDE3A):c.1657A>G (p.Thr553Ala)

Gene: PDE3A (phosphodiesterase 3A; plus strand). Cytogenetic location: 12p12.2.
Variant type: single nucleotide variant.
Coding change: c.1657A>G on transcript NM_000921.5 (MANE Select); coding-DNA position 1657, A replaced by G.
Protein change: p.Thr553Ala; replaces threonine 553 with alanine.
Molecular consequence: missense variant. On other transcripts: intron variant (1).
Genome position (GRCh38, 1-based): chr12:20,630,024, A>G. VCF-style: chr12-20630024-A-G. GRCh37 (hg19) VCF-style: chr12-20782958-A-G.
Other names: c.691A>G, p.Thr231Ala (NM_001244683.2, NM_001378409.1); c.694A>G, p.Thr232Ala (NM_001378408.1); c.1541-4878A>G (NM_001378407.1); short protein forms T231A, T232A, T553A.
Identifiers: ClinVar variation 1050278 (VCV001050278.2), dbSNP rs766683208, ClinGen allele CA6473810.
Genomic context (GRCh38, chr12:20,630,024, plus strand): 5'-ACTCCTGCCAGCAGCCTGGTCAGCAAAATTTCTGCAGTGCAGTTTCCAGAATCTGCTGAC[A>G]CAACTGCCAAACAAAGCCTAGGTTCTCACAGGGCCTTAACTTACACTCAGAGTGCCCCAG-3'
Protein context (NP_000912.3, residues 543-563): SAVQFPESAD[Thr553Ala]TAKQSLGSHR

ClinVar aggregate classification (germline): Uncertain significance. Review status: criteria provided, single submitter (1 of 4 stars). 2 submissions from 2 submitters: Uncertain significance (1). 1 of the submissions does not count toward it. Last evaluated 2025-10-17.

Allele frequency attached by ClinVar (database versions not stated): gnomAD exomes 0.00001 and 0.00002; ExAC 0.00002; gnomAD 0.00002; TOPMed 0.00003.
gnomAD v4.1: 25 of 1,613,898 alleles (0.0015%); highest among the groups gnomAD compares: Middle Eastern, 0.016%; no homozygotes.

Submissions (2):

Labcorp Genetics (formerly Invitae), Labcorp
Classification: Uncertain significance. Last evaluated: 2025-10-17. Review status: criteria provided, single submitter. Criteria: Invitae Variant Classification Sherloc (09022015). Collection method: clinical testing. Allele origin: germline.
Comment: This sequence change replaces threonine, which is neutral and polar, with alanine, which is neutral and non-polar, at codon 553 of the PDE3A protein (p.Thr553Ala). This variant is present in population databases (rs766683208, gnomAD 0.003%). This variant has not been reported in the literature in individuals affected with PDE3A-related conditions. ClinVar contains an entry for this variant (Variation ID: 1050278). An algorithm developed to predict the effect of missense changes on protein structure and function outputs the following: PolyPhen-2: "Benign". The alanine amino acid residue is found in multiple mammalian species, which suggests that this missense change does not adversely affect protein function. In summary, the available evidence is currently insufficient to determine the role of this variant in disease. Therefore, it has been classified as a Variant of Uncertain Significance.

Department of Pathology and Laboratory Medicine, Sinai Health System
Classification: Uncertain significance. Review status: no assertion criteria provided. Collection method: clinical testing. Allele origin: unknown. Affected: yes. Study: The Canadian Open Genetics Repository (COGR). Not counted in ClinVar's aggregate classification.
Comment: The PDE3A p.Thr231Ala variant was not identified in the literature nor was it identified in ClinVar, Cosmic or LOVD 3.0. The variant was identified in dbSNP (ID: rs766683208) and in control databases in 6 of 282554 chromosomes at a frequency of 0.000021 (Genome Aggregation Database Feb 27, 2017). The variant was observed in the following populations: Other in 1 of 7216 chromosomes (freq: 0.000139) and European (non-Finnish) in 5 of 128904 chromosomes (freq: 0.000039), while the variant was not observed in the African, Latino, Ashkenazi Jewish, East Asian, European (Finnish), and South Asian populations. The p.Thr231Ala residue is not conserved in mammals and four out of five computational analyses (PolyPhen-2, SIFT, AlignGVGD, BLOSUM, MutationTaster) do not suggest a high likelihood of impact to the protein; however, this information is not predictive enough to rule out pathogenicity. The variant occurs outside of the splicing consensus sequence and 3 of 4 in silico or computational prediction software programs (MaxEntScan, NNSPLICE, GeneSplicer) do not predict a greater than 10% difference in splicing; this is not very predictive of pathogenicity. In summary, based on the above information the clinical significance of this variant cannot be determined with certainty at this time. This variant is classified as a variant of uncertain significance.